The following is an entry in ClinVar:

NM_000051.4(ATM):c.1829A>T (p.Lys610Ile)

Gene: ATM (ATM serine/threonine kinase; plus strand). Cytogenetic location: 11q22.3.
Variant type: single nucleotide variant.
Coding change: c.1829A>T on transcript NM_000051.4 (MANE Select); coding-DNA position 1829, A replaced by T.
Protein change: p.Lys610Ile; replaces lysine 610 with isoleucine.
Molecular consequence: missense variant.
Genome position (GRCh38, 1-based): chr11:108,252,843, A>T. VCF-style: chr11-108252843-A-T. GRCh37 (hg19) VCF-style: chr11-108123570-A-T.
Other names: c.1829A>T, p.Lys610Ile (NM_001351834.2); short protein forms K610I.
Identifiers: ClinVar variation 2093008 (VCV002093008.4), dbSNP rs1555072464, ClinGen allele CA382535786.
Genomic context (GRCh38, chr11:108,252,843, plus strand): 5'-TCTTCTAAGTGAAGCTTTTTGTTTTTCTTTGTAGTAATTTTCCTCATCTTGTACTGGAGA[A>T]AATTCTTGTGAGTCTCACTATGAAAAACTGTAAAGCTGCAATGAATTTTTTCCAAAGCGT-3'
Protein context (NP_000042.3, residues 600-620): HSNFPHLVLE[Lys610Ile]ILVSLTMKNC

ClinVar aggregate classification (germline): Uncertain significance (1 of 4 stars; one submission).

Conditions:
Ataxia-telangiectasia syndrome (AT). Also called: Ataxia-telangiectasia, complementation group D; AT, COMPLEMENTATION GROUP C; ATAXIA-TELANGIECTASIA, COMPLEMENTATION GROUP A; ATAXIA-TELANGIECTASIA, FRESNO VARIANT; Ataxia telangiectasia (A-T); Ataxia-telangiectasia. Identifiers: Orphanet 100, MedGen C0004135, MONDO:0008840, OMIM 208900.

Submission:

Labcorp Genetics (formerly Invitae), Labcorp
Classification: Uncertain significance for Ataxia-telangiectasia syndrome. Last evaluated: 2022-02-05. Review status: criteria provided, single submitter. Criteria: Invitae Variant Classification Sherloc (09022015). Collection method: clinical testing. Allele origin: germline.
Comment: In summary, the available evidence is currently insufficient to determine the role of this variant in disease. Therefore, it has been classified as a Variant of Uncertain Significance. This sequence change replaces lysine, which is basic and polar, with isoleucine, which is neutral and non-polar, at codon 610 of the ATM protein (p.Lys610Ile). This variant is not present in population databases (gnomAD no frequency). Advanced modeling of protein sequence and biophysical properties (such as structural, functional, and spatial information, amino acid conservation, physicochemical variation, residue mobility, and thermodynamic stability) performed at Invitae indicates that this missense variant is not expected to disrupt ATM protein function. This variant has not been reported in the literature in individuals affected with ATM-related conditions.